The following is an entry in ClinVar:

ClinVar aggregate classification (germline): Uncertain significance. Review status: criteria provided, multiple submitters, no conflicts (2 of 4 stars). 2 submissions from 2 submitters: Uncertain significance (2). Last evaluated 2025-04-20.

Conditions:
Inborn genetic diseases. Identifiers: MedGen C0950123, MeSH D030342.

Allele frequency attached by ClinVar (database versions not stated): TOPMed 0.00003; gnomAD exomes 0.00004; ESP Exome Variant Server 0.00008; ExAC 0.00010; gnomAD 0.00010.
gnomAD v4.1: 74 of 1,613,802 alleles (0.0046%); highest among the groups gnomAD compares: Middle Eastern, 0.016%; 1 homozygote.

Submissions (2):

Ambry Genetics
Classification: Uncertain significance for Inborn genetic diseases. Last evaluated: 2025-04-20. Review status: criteria provided, single submitter. Criteria: Ambry Variant Classification Scheme 2023. Collection method: clinical testing. Allele origin: germline.

CeGaT Center for Human Genetics Tuebingen
Classification: Uncertain significance. Last evaluated: 2023-02-01. Review status: criteria provided, single submitter. Criteria: CeGaT Center For Human Genetics Tuebingen Variant Classification Criteria Version 2. Collection method: clinical testing. Allele origin: germline. Affected: yes. Observed: 1 variant allele.
Comment: EDEM3: PM2

NM_025191.4(EDEM3):c.1736G>A (p.Arg579Lys)

Gene: EDEM3 (ER degradation enhancing alpha-mannosidase like protein 3; minus strand). Cytogenetic location: 1q25.3.
Variant type: single nucleotide variant.
Coding change: c.1736G>A on transcript NM_025191.4 (MANE Select); coding-DNA position 1736, G replaced by A.
Protein change: p.Arg579Lys; replaces arginine 579 with lysine.
Molecular consequence: missense variant. On other transcripts: non-coding transcript variant (1).
Genome position (GRCh38, 1-based): chr1:184,710,503, C>T on the plus strand (G>A on the coding strand, the complement: EDEM3 is on the minus strand). VCF-style: chr1-184710503-C-T. GRCh37 (hg19) VCF-style: chr1-184679637-C-T.
Other names: c.1736G>A (NM_025191.3); c.1736G>A, p.Arg579Lys (NM_001319960.2); short protein forms R579K.
Identifiers: ClinVar variation 2639632 (VCV002639632.24), dbSNP rs140549505, ClinGen allele CA1287263.